The following is an entry in ClinVar:

ClinVar aggregate classification (germline): Likely pathogenic (1 of 4 stars; one submission).

Submission:

Labcorp Genetics (formerly Invitae), Labcorp
Classification: Likely pathogenic. Last evaluated: 2024-04-10. Review status: criteria provided, single submitter. Criteria: Invitae Variant Classification Sherloc (09022015). Collection method: clinical testing. Allele origin: germline.
Comment: This sequence change replaces glycine, which is neutral and non-polar, with serine, which is neutral and polar, at codon 576 of the COL2A1 protein (p.Gly576Ser). This variant is not present in population databases (gnomAD no frequency). This variant has not been reported in the literature in individuals affected with COL2A1-related conditions. ClinVar contains an entry for this variant (Variation ID: 1499302). Advanced modeling of protein sequence and biophysical properties (such as structural, functional, and spatial information, amino acid conservation, physicochemical variation, residue mobility, and thermodynamic stability) performed at Invitae indicates that this missense variant is expected to disrupt COL2A1 protein function with a positive predictive value of 95%. This variant disrupts the triple helix domain of COL2A1. Glycine residues within the Gly-Xaa-Yaa repeats of the triple helix domain are required for the structure and stability of fibrillar collagens (PMID: 7695699, 8218237, 19344236). In COL2A1, variants affecting these glycine residues are significantly enriched in individuals with disease (PMID: 9016532, 17078022) compared to the general population (ExAC). In summary, the currently available evidence indicates that the variant is pathogenic, but additional data are needed to prove that conclusively. Therefore, this variant has been classified as Likely Pathogenic.

Literature cited by the submitters: PubMed 7695699; PubMed 8218237; PubMed 19344236; PubMed 9016532; PubMed 17078022.

NM_001844.5(COL2A1):c.1726G>A (p.Gly576Ser)

Gene: COL2A1 (collagen type II alpha 1 chain; minus strand). Cytogenetic location: 12q13.11.
Variant type: single nucleotide variant.
Coding change: c.1726G>A on transcript NM_001844.5 (MANE Select); coding-DNA position 1726, G replaced by A.
Protein change: p.Gly576Ser; replaces glycine 576 with serine.
Molecular consequence: missense variant.
Genome position (GRCh38, 1-based): chr12:47,985,542, C>T on the plus strand (G>A on the coding strand, the complement: COL2A1 is on the minus strand). VCF-style: chr12-47985542-C-T. GRCh37 (hg19) VCF-style: chr12-48379325-C-T.
Other names: c.1519G>A, p.Gly507Ser (NM_033150.3); short protein forms G576S, G507S.
Identifiers: ClinVar variation 1499302 (VCV001499302.8), dbSNP rs2136566494, ClinGen allele CA384550958.
Genomic context (GRCh38, chr12:47,985,542, plus strand): 5'-TCCCCAGGGAGATCCCCCCACCCTCCTAGCAGCCCTCAGAGGATAGACTTACAGAAGGGC[C>T]AACTTTGCCTTGAGGACCAGCATCACCAGGGCGGCCAGTGAGACCCTTTGTTCAGGAGAG-3'
Protein context (NP_001835.3, residues 566-586): PGDAGPQGKV[Gly576Ser]PSGAPGEDGR